The following is an entry in ClinVar:

ClinVar aggregate classification (germline): Pathogenic/Likely pathogenic. Review status: criteria provided, multiple submitters, no conflicts (2 of 4 stars). 9 submissions from 9 submitters: Pathogenic (3); Likely pathogenic (5). 1 of the submissions does not count toward it. Last evaluated 2025-03-04.

Conditions:
Hereditary cancer-predisposing syndrome. Also called: Neoplastic Syndromes, Hereditary; Hereditary Cancer Syndrome; Tumor predisposition; Hereditary neoplastic syndrome. Identifiers: Orphanet 140162, MedGen C0027672, MeSH D009386, MONDO:0015356.
Breast-ovarian cancer, familial, susceptibility to, 3. Also called: RAD51C-Related Breast/Ovarian Cancer. Identifiers: Orphanet 145, MedGen C3150659, MONDO:0013253, OMIM 613399.
Fanconi anemia complementation group O. Also called: RAD51C-Related Fanconi Anemia. Identifiers: Orphanet 84, MedGen C3150653, MONDO:0013248, OMIM 613390.

Allele frequency attached by ClinVar (database versions not stated): TOPMed below 0.00001; gnomAD 0.00001.

Submissions (9):

Center for Genomic Medicine, Rigshospitalet, Copenhagen University Hospital
Classification: Likely pathogenic. Last evaluated: 2025-03-04. Review status: criteria provided, single submitter. Criteria: ACMG Guidelines, 2015. Collection method: clinical testing. Allele origin: germline.

Department of Clinical Genetics, Copenhagen University Hospital, Rigshospitalet
Classification: Likely pathogenic for Hereditary cancer-predisposing syndrome. Last evaluated: 2025-02-04. Review status: criteria provided, single submitter. Criteria: ACMG Guidelines, 2015. Collection method: clinical testing. Allele origin: germline.
Comment: PVS1; PM2_SUP

Ambry Genetics
Classification: Likely pathogenic for Hereditary cancer-predisposing syndrome. Last evaluated: 2024-09-11. Review status: criteria provided, single submitter. Criteria: Ambry Variant Classification Scheme 2023. Collection method: clinical testing. Allele origin: germline.
Comment: The c.905-2delA intronic variant, located in intron 6 of the RAD51C gene, results from a deletion of one nucleotide within intron 6 of the RAD51C gene. This variant was detected in 3/6178 families with a history of tubo-ovarian carcinoma or breast cancer (Yang X et al. J Natl Cancer Inst, 2020 Dec;112:1242-1250). This nucleotide position is highly conserved in available vertebrate species. In silico splice site analysis predicts that this alteration will weaken the native splice acceptor site. RNA studies have demonstrated that this alteration results in abnormal splicing in the set of samples tested (Ambry internal data). This variant is considered to be rare based on population cohorts in the Genome Aggregation Database (gnomAD). Alterations that disrupt the canonical splice site are expected to cause aberrant splicing, resulting in an abnormal protein or a transcript that is subject to nonsense-mediated mRNA decay. As such, this alteration is classified as likely pathogenic.

Color Diagnostics, LLC DBA Color Health
Classification: Likely pathogenic for Hereditary cancer-predisposing syndrome. Last evaluated: 2024-07-01. Review status: criteria provided, single submitter. Criteria: ACMG Guidelines, 2015. Collection method: clinical testing. Allele origin: germline.
Comment: This variant deletes 1 nucleotide at the -2 position in intron 6 of the RAD51C protein. RNA studies using patient-derived lymphocytes and a minigene assay have shown that this variant causes out-of-frame exon 7 skipping and a premature translation stop signal that is expected to result in an absent or non-functional protein product. (PMID: 35740625, 37444530). This variant has been reported in individuals affected with breast cancer and/or ovarian cancer (PMID: 32107557, 36974006, 37444530). This variant has not been identified in the general population by the Genome Aggregation Database (gnomAD). Based on the available evidence, this variant is classified as Likely Pathogenic.

Myriad Genetics, Inc.
Classification: Likely pathogenic for Breast-ovarian cancer, familial, susceptibility to, 3. Last evaluated: 2024-01-03. Review status: criteria provided, single submitter. Criteria: Myriad Autosomal Dominant, Autosomal Recessive and X-Linked Classification Criteria (2023). Collection method: clinical testing. Allele origin: unknown.
Comment: This variant is considered likely pathogenic. This variant occurs within a consensus splice junction and is predicted to result in abnormal mRNA splicing of either an out-of-frame exon or an in-frame exon necessary for protein stability and/or normal function.

GeneDx
Classification: Pathogenic. Last evaluated: 2023-12-20. Review status: criteria provided, single submitter. Criteria: GeneDx Variant Classification Process June 2021. Collection method: clinical testing. Allele origin: germline. Affected: yes.
Comment: Canonical splice site variant demonstrated to result in aberrant splicing in a gene for which loss of function is a known mechanism of disease (PMID: 35740625); Not observed at significant frequency in large population cohorts (gnomAD); This variant is associated with the following publications: (PMID: 26824983, 22725699, 26261251, 26720728, 26822949, 29566657, 36974006, 35740625, 37444530, 32107557)

Labcorp Genetics (formerly Invitae), Labcorp
Classification: Pathogenic for Fanconi anemia complementation group O. Last evaluated: 2023-08-02. Review status: criteria provided, single submitter. Criteria: Invitae Variant Classification Sherloc (09022015). Collection method: clinical testing. Allele origin: germline.
Comment: This sequence change affects a splice site in intron 6 of the RAD51C gene. RNA analysis indicates that disruption of this splice site induces altered splicing and likely disrupts the C-terminus of the protein. This variant is not present in population databases (gnomAD no frequency). Disruption of this splice site has been observed in individual(s) with hereditary breast and/or ovarian cancer (PMID: 32107557). ClinVar contains an entry for this variant (Variation ID: 230587). Studies have shown that disruption of this splice site results in exon 7 skipping and introduces a new termination codon (PMID: 35740625; Invitae). However the mRNA is not expected to undergo nonsense-mediated decay. This variant disrupts the nuclear localization signal (NLS) of the RAD51C protein, which is important for proper localization and function of the RAD51C protein (PMID:12966089). While functional studies have not been performed to directly test the effect of this variant on RAD51C protein function, this suggests that disruption of this region of the protein is causative of disease. For these reasons, this variant has been classified as Pathogenic.

CeGaT Center for Human Genetics Tuebingen
Classification: Pathogenic. Last evaluated: 2023-02-01. Review status: criteria provided, single submitter. Criteria: CeGaT Center For Human Genetics Tuebingen Variant Classification Criteria Version 2. Collection method: clinical testing. Allele origin: germline. Affected: yes. Observed: 1 variant allele.
Comment: RAD51C: PVS1, PM2

Leiden Open Variation Database
Classification: Pathogenic. Last evaluated: 2020-02-28. Review status: no assertion criteria provided. Collection method: curation. Allele origin: germline. Affected: yes. Not counted in ClinVar's aggregate classification.
Comment: Curator: Arleen D. Auerbach. Submitter to LOVD: Christine Rappaport.

Literature cited by the submitters: PubMed 32107557 (cited by 3 submitters); PubMed 35740625 (cited by Color Diagnostics, LLC DBA Color Health and Labcorp Genetics (formerly Invitae), Labcorp); PubMed 36974006 (cited by Color Diagnostics, LLC DBA Color Health); PubMed 37444530 (cited by Color Diagnostics, LLC DBA Color Health); PubMed 12966089 (cited by Labcorp Genetics (formerly Invitae), Labcorp).

NM_058216.3(RAD51C):c.905-2del

Gene: RAD51C (RAD51 paralog C; plus strand). Cytogenetic location: 17q22.
Variant type: Deletion.
Coding change: c.905-2del on transcript NM_058216.3 (MANE Select); the canonical splice acceptor site of the intron before coding-DNA position 905, one base deleted (A; older notation c.905-2delA).
Molecular consequence: splice acceptor variant.
Genome position (GRCh38, 1-based): chr17:58,724,038, A deleted. VCF-style (leftmost placement, unchanged base first): chr17-58724037-CA-C. GRCh37 (hg19) VCF-style: chr17-56801398-CA-C.
Other names: c.905-2del (NM_058216.1, NM_058216.2); c.905-2delA (NM_058216.3).
Identifiers: ClinVar variation 230587 (VCV000230587.52), dbSNP rs876658652, ClinGen allele CA10580755.